The following is an entry in ClinVar:

NM_053025.4(MYLK):c.2125G>A (p.Val709Met)

Gene: MYLK (myosin light chain kinase; minus strand). Cytogenetic location: 3q21.1.
Variant type: single nucleotide variant.
Coding change: c.2125G>A on transcript NM_053025.4 (MANE Select); coding-DNA position 2125, G replaced by A.
Protein change: p.Val709Met; replaces valine 709 with methionine.
Molecular consequence: missense variant.
Genome position (GRCh38, 1-based): chr3:123,708,713, C>T on the plus strand (G>A on the coding strand, the complement: MYLK is on the minus strand). VCF-style: chr3-123708713-C-T. GRCh37 (hg19) VCF-style: chr3-123427560-C-T.
Other names: c.1597G>A, p.Val533Met (NM_001321309.2); c.1918G>A, p.Val640Met (NM_053026.4, NM_053028.4); c.2125G>A, p.Val709Met (NM_053027.4); short protein forms V709M, V640M, V533M.
Identifiers: ClinVar variation 471707 (VCV000471707.29), dbSNP rs112537316, ClinGen allele CA068119.

ClinVar aggregate classification (germline): Conflicting classifications of pathogenicity. Review status: criteria provided, conflicting classifications (1 of 4 stars). 6 submissions from 6 submitters: Uncertain significance (3); Likely benign (3). Last evaluated 2026-01-14.

Conditions:
MYLK-related disorder. Also called: MYLK-related condition.
Aortic aneurysm, familial thoracic 7 (AAT7). Also called: AORTIC DISSECTION, FAMILIAL, WITH OR WITHOUT AORTIC ANEURYSM. Identifiers: MedGen C3151077, MONDO:0013418, OMIM 613780.
Familial thoracic aortic aneurysm and aortic dissection (TAAD). Also called: Thoracic aortic aneurysms and dissections. Identifiers: Orphanet 91387, MedGen C4707243, MONDO:0019625.

Allele frequency attached by ClinVar (database versions not stated): ESP Exome Variant Server 0.00015; ExAC 0.00022; gnomAD exomes 0.00022; gnomAD 0.00029; TOPMed 0.00037.
gnomAD v4.1: 326 of 1,613,980 alleles (0.02%); highest among the groups gnomAD compares: Admixed American, 0.11%; 3 homozygotes.

Submissions (6):

Labcorp Genetics (formerly Invitae), Labcorp
Classification: Likely benign for Aortic aneurysm, familial thoracic 7. Last evaluated: 2026-01-14. Review status: criteria provided, single submitter. Criteria: Invitae Variant Classification Sherloc (09022015). Collection method: clinical testing. Allele origin: germline.

PreventionGenetics, part of Exact Sciences
Classification: Uncertain significance for MYLK-related condition. Last evaluated: 2025-12-06. Review status: criteria provided, single submitter. Criteria: ACMG Guidelines, 2015. Collection method: clinical testing. Allele origin: germline.
Comment: The MYLK c.2125G>A variant is predicted to result in the amino acid substitution p.Val709Met. To our knowledge, this variant has not been reported in the literature. This variant is reported in 0.10% of alleles in individuals of Latino descent in gnomAD. Although we suspect that this variant may be benign, at this time, the clinical significance of this variant is uncertain due to the absence of conclusive functional and genetic evidence.

Ambry Genetics
Classification: Uncertain significance for Familial thoracic aortic aneurysm and aortic dissection. Last evaluated: 2024-12-03. Review status: criteria provided, single submitter. Criteria: Ambry Variant Classification Scheme 2023. Collection method: clinical testing. Allele origin: germline.

Blueprint Genetics
Classification: Likely benign. Last evaluated: 2024-03-12. Review status: criteria provided, single submitter. Criteria: ACMG Guidelines, 2015. Collection method: clinical testing. Allele origin: germline.

ARUP Laboratories, Molecular Genetics and Genomics, ARUP Laboratories
Classification: Uncertain significance. Last evaluated: 2021-08-15. Review status: criteria provided, single submitter. Criteria: ARUP Molecular Germline Variant Investigation Process 2021. Collection method: clinical testing. Allele origin: germline.

GeneDx
Classification: Likely benign. Last evaluated: 2020-06-26. Review status: criteria provided, single submitter. Criteria: GeneDx Variant Classification Process June 2021. Collection method: clinical testing. Allele origin: germline. Affected: yes.